The following is an entry in ClinVar:

NM_020765.3(UBR4):c.4422G>A (p.Ser1474=)

Gene: UBR4 (ubiquitin protein ligase E3 component n-recognin 4; minus strand). Cytogenetic location: 1p36.13.
Variant type: single nucleotide variant.
Coding change: c.4422G>A on transcript NM_020765.3 (MANE Select); coding-DNA position 4422, G replaced by A.
Protein change: p.Ser1474=; no amino-acid change (serine 1474 retained).
Molecular consequence: synonymous variant.
Genome position (GRCh38, 1-based): chr1:19,164,888, C>T on the plus strand (G>A on the coding strand, the complement: UBR4 is on the minus strand). VCF-style: chr1-19164888-C-T. GRCh37 (hg19) VCF-style: chr1-19491382-C-T.
Identifiers: ClinVar variation 3387915 (VCV003387915.14).

ClinVar aggregate classification (germline): Likely benign (1 of 4 stars; one submission).

gnomAD v4.1: 664 of 1,613,954 alleles (0.041%); highest among the groups gnomAD compares: Non-Finnish European, 0.053%; no homozygotes.

Submission:

CeGaT Center for Human Genetics Tuebingen
Classification: Likely benign. Last evaluated: 2024-11-01. Review status: criteria provided, single submitter. Criteria: CeGaT Center For Human Genetics Tuebingen Variant Classification Criteria Version 2. Collection method: clinical testing. Allele origin: germline. Affected: yes. Observed: 1 variant allele.
Comment: UBR4: BP4, BP7